The following is an entry in ClinVar:

ClinVar aggregate classification (germline): Benign/Likely benign. Review status: criteria provided, multiple submitters, no conflicts (2 of 4 stars). 2 submissions from 2 submitters: Benign (1); Likely benign (1). Last evaluated 2024-03-25.

Conditions:
Familial adenomatous polyposis 1 (FAP1). Also called: FAMILIAL ADENOMATOUS POLYPOSIS 1, ATTENUATED; POLYPOSIS, ADENOMATOUS INTESTINAL. Identifiers: MedGen C2713442, MONDO:0021056, OMIM 175100. Disease mechanism: loss of function.
Hereditary cancer-predisposing syndrome. Also called: Hereditary neoplastic syndrome; Tumor predisposition; Hereditary Cancer Syndrome; Neoplastic Syndromes, Hereditary. Identifiers: Orphanet 140162, MedGen C0027672, MeSH D009386, MONDO:0015356.

Submissions (2):

Myriad Genetics, Inc.
Classification: Benign for Familial adenomatous polyposis 1. Last evaluated: 2024-03-25. Review status: criteria provided, single submitter. Criteria: Myriad Autosomal Dominant, Autosomal Recessive and X-Linked Classification Criteria (2023). Collection method: clinical testing. Allele origin: unknown.
Comment: This variant is considered benign. This variant is a silent/synonymous amino acid change and it is not expected to impact splicing.

Ambry Genetics
Classification: Likely benign for Hereditary cancer-predisposing syndrome. Last evaluated: 2023-09-13. Review status: criteria provided, single submitter. Criteria: Ambry Variant Classification Scheme 2023. Collection method: clinical testing. Allele origin: germline.

NM_000038.6(APC):c.4002C>G (p.Ser1334=)

Gene: APC (APC regulator of Wnt signaling pathway; plus strand). Cytogenetic location: 5q22.2.
Variant type: single nucleotide variant.
Coding change: c.4002C>G on transcript NM_000038.6 (MANE Select); coding-DNA position 4002, C replaced by G.
Protein change: p.Ser1334=; no amino-acid change (serine 1334 retained).
Molecular consequence: synonymous variant. On other transcripts: non-coding transcript variant (2).
Genome position (GRCh38, 1-based): chr5:112,839,596, C>G. VCF-style: chr5-112839596-C-G. GRCh37 (hg19) VCF-style: chr5-112175293-C-G.
Other names: c.4002C>G, p.Ser1334= (NM_001127510.3, NM_001354895.2, NM_001407450.1); c.3948C>G, p.Ser1316= (NM_001127511.3); c.4056C>G, p.Ser1352= (NM_001354896.2, NM_001407447.1, NM_001407448.1 and 1 more transcripts); c.4032C>G, p.Ser1344= (NM_001354897.2); c.3927C>G, p.Ser1309= (NM_001354898.2); c.3918C>G, p.Ser1306= (NM_001354899.2); c.3879C>G, p.Ser1293= (NM_001354900.2); c.3825C>G, p.Ser1275= (NM_001354901.2, NM_001407453.1); and 11 more.
Identifiers: ClinVar variation 2587043 (VCV002587043.2), dbSNP rs2149903830, ClinGen allele CA445964028.
Genomic context (GRCh38, chr5:112,839,596, plus strand): 5'-GTCAGCTGAAGATCCTGTGAGCGAAGTTCCAGCAGTGTCACAGCACCCTAGAACCAAATC[C>G]AGCAGACTGCAGGGTTCTAGTTTATCTTCAGAATCAGCCAGGCACAAAGCTGTTGAATTT-3'
Protein context (NP_000029.2, residues 1324-1344): PAVSQHPRTK[Ser1334=]SRLQGSSLSS